The following is an entry in ClinVar:

NM_003041.4(SLC5A2):c.127-18C>G

Gene: SLC5A2 (solute carrier family 5 member 2; plus strand). Cytogenetic location: 16p11.2.
Variant type: single nucleotide variant.
Coding change: c.127-18C>G on transcript NM_003041.4 (MANE Select); 18 bases into the intron before coding-DNA position 127, C replaced by G.
Molecular consequence: intron variant.
Genome position (GRCh38, 1-based): chr16:31,484,655, C>G. VCF-style: chr16-31484655-C-G. GRCh37 (hg19) VCF-style: chr16-31495976-C-G.
Identifiers: ClinVar variation 3047822 (VCV003047822.3), dbSNP rs202129834, ClinGen allele CA8030610.
Genomic context (GRCh38, chr16:31,484,655, plus strand): 5'-CTGAGGAATGTGTTGAGGTGGCTGATGAGGTCCAAGGCTGTGCCCTAAACCCAGGTCTCC[C>G]CCGCCTCTGTCTCCCAGTCCATGTGCAGAACCAACAGAGGCACTGTGGGCGGCTACTTCC-3'

ClinVar aggregate classification (germline): Likely benign. Review status: criteria provided, single submitter (1 of 4 stars). 2 submissions from 2 submitters: Likely benign (1). 1 of the submissions does not count toward it. Last evaluated 2024-07-22.

Conditions:
SLC5A2-related disorder. Also called: SLC5A2-related condition.

Allele frequency attached by ClinVar (database versions not stated): ExAC 0.00010; gnomAD exomes 0.00010; gnomAD 0.00011; TOPMed 0.00024.

Submissions (2):

Blueprint Genetics
Classification: Likely benign. Last evaluated: 2024-07-22. Review status: criteria provided, single submitter. Criteria: ACMG Guidelines, 2015. Collection method: clinical testing. Allele origin: germline.

PreventionGenetics, part of Exact Sciences
Classification: Likely benign for SLC5A2-related condition. Last evaluated: 2019-04-25. Review status: no assertion criteria provided. Collection method: clinical testing. Allele origin: germline. Not counted in ClinVar's aggregate classification.
Comment: This variant is classified as likely benign based on ACMG/AMP sequence variant interpretation guidelines (Richards et al. 2015 PMID: 25741868, with internal and published modifications).